The following is an entry in ClinVar:

ClinVar aggregate classification (germline): Uncertain significance (1 of 4 stars; one submission).

Allele frequency attached by ClinVar (database versions not stated): gnomAD 0.00001 and 0.00002; TOPMed 0.00001; gnomAD exomes 0.00004 and 0.00006; ExAC 0.00009; 1000 Genomes Project 30x 0.00016; 1000 Genomes Project 0.00020.
gnomAD v4.1: 59 of 1,613,614 alleles (0.0037%); highest among the groups gnomAD compares: South Asian, 0.051%; no homozygotes.

Submission:

Labcorp Genetics (formerly Invitae), Labcorp
Classification: Uncertain significance. Last evaluated: 2025-07-20. Review status: criteria provided, single submitter. Criteria: Invitae Variant Classification Sherloc (09022015). Collection method: clinical testing. Allele origin: germline.
Comment: This sequence change replaces asparagine, which is neutral and polar, with serine, which is neutral and polar, at codon 436 of the MYLK3 protein (p.Asn436Ser). This variant is present in population databases (rs561332041, gnomAD 0.05%), and has an allele count higher than expected for a pathogenic variant. This variant has not been reported in the literature in individuals affected with MYLK3-related conditions. ClinVar contains an entry for this variant (Variation ID: 1418897). An algorithm developed to predict the effect of missense changes on protein structure and function outputs the following: PolyPhen-2: "Benign". The serine amino acid residue is found in multiple mammalian species, which suggests that this missense change does not adversely affect protein function. In summary, the available evidence is currently insufficient to determine the role of this variant in disease. Therefore, it has been classified as a Variant of Uncertain Significance.

NM_182493.3(MYLK3):c.1307A>G (p.Asn436Ser)

Gene: MYLK3 (myosin light chain kinase 3; minus strand). Cytogenetic location: 16q11.2.
Variant type: single nucleotide variant.
Coding change: c.1307A>G on transcript NM_182493.3 (MANE Select); coding-DNA position 1307, A replaced by G.
Protein change: p.Asn436Ser; replaces asparagine 436 with serine.
Molecular consequence: missense variant.
Genome position (GRCh38, 1-based): chr16:46,732,363, T>C on the plus strand (A>G on the coding strand, the complement: MYLK3 is on the minus strand). VCF-style: chr16-46732363-T-C. GRCh37 (hg19) VCF-style: chr16-46766275-T-C.
Other names: c.284A>G, p.Asn95Ser (NM_001308301.1); short protein forms N95S, N436S.
Identifiers: ClinVar variation 1418897 (VCV001418897.7), dbSNP rs561332041, ClinGen allele CA8038022.